The following is an entry in ClinVar:

ClinVar aggregate classification (germline): Uncertain significance. Review status: criteria provided, multiple submitters, no conflicts (2 of 4 stars). 2 submissions from 2 submitters: Uncertain significance (2). Last evaluated 2023-11-28.

Conditions:
Hereditary cancer-predisposing syndrome. Also called: Hereditary Cancer Syndrome; Neoplastic Syndromes, Hereditary; Tumor predisposition; Hereditary neoplastic syndrome. Identifiers: Orphanet 140162, MedGen C0027672, MeSH D009386, MONDO:0015356.

Submissions (2):

Ambry Genetics
Classification: Uncertain significance for Hereditary cancer-predisposing syndrome. Last evaluated: 2023-11-28. Review status: criteria provided, single submitter. Criteria: Ambry Variant Classification Scheme 2023. Collection method: clinical testing. Allele origin: germline.
Comment: The c.482_484delTGG variant (also known as p.V161del) is located in coding exon 3 of the NTHL1 gene. This variant results from an in-frame TGG deletion at nucleotide positions 482 to 484. This results in the in-frame deletion of a valine at codon 161. This amino acid position is well conserved in available vertebrate species. In addition, this alteration is predicted to be deleterious by in silico analysis (Choi Y et al. PLoS ONE. 2012; 7(10):e46688). Since supporting evidence is limited at this time, the clinical significance of this alteration remains unclear.

Labcorp Genetics (formerly Invitae), Labcorp
Classification: Uncertain significance. Last evaluated: 2022-03-21. Review status: criteria provided, single submitter. Criteria: Invitae Variant Classification Sherloc (09022015). Collection method: clinical testing. Allele origin: germline.
Comment: In summary, the available evidence is currently insufficient to determine the role of this variant in disease. Therefore, it has been classified as a Variant of Uncertain Significance. Experimental studies and prediction algorithms are not available or were not evaluated, and the functional significance of this variant is currently unknown. This variant has not been reported in the literature in individuals affected with NTHL1-related conditions. This variant is not present in population databases (gnomAD no frequency). This variant, c.482_484del, results in the deletion of 1 amino acid(s) of the NTHL1 protein (p.Val161del), but otherwise preserves the integrity of the reading frame.

NM_002528.7(NTHL1):c.458_460del (p.Val153del)

Gene: NTHL1 (nth like DNA glycosylase 1; minus strand). Cytogenetic location: 16p13.3.
Variant type: Deletion.
Coding change: c.458_460del on transcript NM_002528.7 (MANE Select); coding-DNA positions 458 to 460, 3 bases deleted (TGG; older notation c.458_460delTGG).
Protein change: p.Val153del; deletes valine 153.
Molecular consequence: inframe deletion. On other transcripts: intron variant (1).
Genome position (GRCh38, 1-based): chr16:2,044,695-2,044,697, CCA deleted on the plus strand (TGG on the coding strand, the reverse complement: NTHL1 is on the minus strand); deleting any 3 consecutive bases within chr16:2,044,695-2,044,699 gives the same sequence; the c. name uses the placement nearest the transcript's 3' end. VCF-style (leftmost placement, unchanged base first): chr16-2044694-TCCA-T. GRCh37 (hg19) VCF-style: chr16-2094695-TCCA-T.
Other names: c.128_130del, p.Val43del (NM_001318194.2); c.355-971_355-969del (NM_001318193.2); short protein forms V153del, V43del.
Identifiers: ClinVar variation 1743357 (VCV001743357.7), dbSNP rs2548316243, ClinGen allele CA2580090588.